The following is an entry in ClinVar:

NM_000632.4(ITGAM):c.2167G>A (p.Glu723Lys)

Gene: ITGAM (integrin subunit alpha M; plus strand). Cytogenetic location: 16p11.2.
Variant type: single nucleotide variant.
Coding change: c.2167G>A on transcript NM_000632.4 (MANE Select); coding-DNA position 2167, G replaced by A.
Protein change: p.Glu723Lys; replaces glutamic acid 723 with lysine.
Molecular consequence: missense variant.
Genome position (GRCh38, 1-based): chr16:31,324,660, G>A. VCF-style: chr16-31324660-G-A. GRCh37 (hg19) VCF-style: chr16-31335981-G-A.
Other names: c.2170G>A, p.Glu724Lys (NM_001145808.2); short protein forms E723K, E724K.
Identifiers: ClinVar variation 2074715 (VCV002074715.4), dbSNP rs761156773, ClinGen allele CA8025749.

ClinVar aggregate classification (germline): Uncertain significance (1 of 4 stars; one submission).

Allele frequency attached by ClinVar (database versions not stated): gnomAD 0.00001; gnomAD exomes 0.00001; ExAC 0.00002.
gnomAD v4.1: 5 of 1,602,344 alleles (0.00031%); highest among the groups gnomAD compares: South Asian, 0.0033%; no homozygotes.

Submission:

Labcorp Genetics (formerly Invitae), Labcorp
Classification: Uncertain significance. Last evaluated: 2022-09-21. Review status: criteria provided, single submitter. Criteria: Invitae Variant Classification Sherloc (09022015). Collection method: clinical testing. Allele origin: germline.
Comment: This variant has not been reported in the literature in individuals affected with ITGAM-related conditions. This sequence change replaces glutamic acid, which is acidic and polar, with lysine, which is basic and polar, at codon 723 of the ITGAM protein (p.Glu723Lys). This variant is present in population databases (rs761156773, gnomAD 0.01%). In summary, the available evidence is currently insufficient to determine the role of this variant in disease. Therefore, it has been classified as a Variant of Uncertain Significance. Algorithms developed to predict the effect of missense changes on protein structure and function output the following: SIFT: "Tolerated"; PolyPhen-2: "Benign"; Align-GVGD: "Class C15". The lysine amino acid residue is found in multiple mammalian species, which suggests that this missense change does not adversely affect protein function.